The following is an entry in ClinVar:

NM_001374828.1(ARID1B):c.6689G>A (p.Arg2230His)

Gene: ARID1B (AT-rich interaction domain 1B; plus strand). Cytogenetic location: 6q25.3.
Variant type: single nucleotide variant.
Coding change: c.6689G>A on transcript NM_001374828.1 (MANE Select); coding-DNA position 6689, G replaced by A.
Protein change: p.Arg2230His; replaces arginine 2230 with histidine.
Molecular consequence: missense variant.
Genome position (GRCh38, 1-based): chr6:157,207,461, G>A. VCF-style: chr6-157207461-G-A. GRCh37 (hg19) VCF-style: chr6-157528595-G-A.
Other names: c.6440G>A, p.Arg2147His (NM_001346813.1); c.4190G>A, p.Arg1397His (NM_001363725.2); c.6569G>A, p.Arg2190His (NM_001371656.1, NM_001374820.1); c.6530G>A, p.Arg2177His (NM_017519.3); c.6320G>A, p.Arg2107His (NM_020732.3); c.6107G>A, p.Arg2036His (NM_175863.2); short protein forms R2036H, R2190H, R2230H, R1397H, R2177H, R2107H, R2147H.
Identifiers: ClinVar variation 2080044 (VCV002080044.4), dbSNP rs781613431, ClinGen allele CA4068049.

ClinVar aggregate classification (germline): Uncertain significance (1 of 4 stars; one submission).

Allele frequency attached by ClinVar (database versions not stated): ExAC 0.00001; gnomAD 0.00001; gnomAD exomes 0.00001.
gnomAD v4.1: 6 of 1,613,970 alleles (0.00037%); highest among the groups gnomAD compares: Admixed American, 0.0033%; no homozygotes.

Submission:

Labcorp Genetics (formerly Invitae), Labcorp
Classification: Uncertain significance. Last evaluated: 2023-08-04. Review status: criteria provided, single submitter. Criteria: Invitae Variant Classification Sherloc (09022015). Collection method: clinical testing. Allele origin: germline.
Comment: This variant has not been reported in the literature in individuals affected with ARID1B-related conditions. This variant is present in population databases (rs781613431, gnomAD 0.0008%). This sequence change replaces arginine, which is basic and polar, with histidine, which is basic and polar, at codon 2107 of the ARID1B protein (p.Arg2107His). ClinVar contains an entry for this variant (Variation ID: 2080044). In summary, the available evidence is currently insufficient to determine the role of this variant in disease. Therefore, it has been classified as a Variant of Uncertain Significance. Advanced modeling of protein sequence and biophysical properties (such as structural, functional, and spatial information, amino acid conservation, physicochemical variation, residue mobility, and thermodynamic stability) has been performed at Invitae for this missense variant, however the output from this modeling did not meet the statistical confidence thresholds required to predict the impact of this variant on ARID1B protein function.